The following is an entry in ClinVar:

ClinVar aggregate classification (germline): Likely benign (0 of 4 stars; one submission).

Conditions:
MDN1-related disorder. Also called: MDN1-related condition.

Allele frequency attached by ClinVar (database versions not stated): ExAC 0.00002; gnomAD 0.00005; TOPMed 0.00005; ESP Exome Variant Server 0.00023.

Submission:

PreventionGenetics, part of Exact Sciences
Classification: Likely benign for MDN1-related condition. Last evaluated: 2019-02-21. Review status: no assertion criteria provided. Collection method: clinical testing. Allele origin: germline.
Comment: This variant is classified as likely benign based on ACMG/AMP sequence variant interpretation guidelines (Richards et al. 2015 PMID: 25741868, with internal and published modifications).

NM_014611.3(MDN1):c.15156C>T (p.Ala5052=)

Genes: MDN1 (midasin AAA ATPase 1; minus strand), MDN1-AS1 (MDN1 antisense RNA 1; plus strand), LOC126859739 (BRD4-independent group 4 enhancer GRCh37_chr6:90367565-90368764; plus strand). Cytogenetic location: 6q15.
Variant type: single nucleotide variant.
Coding change: c.15156C>T on transcript NM_014611.3 (MANE Select); coding-DNA position 15156, C replaced by T.
Protein change: p.Ala5052=; no amino-acid change (alanine 5052 retained).
Molecular consequence: synonymous variant.
Genome position (GRCh38, 1-based): chr6:89,658,236, G>A on the plus strand (C>T on the coding strand, the complement: MDN1 is on the minus strand). VCF-style: chr6-89658236-G-A. GRCh37 (hg19) VCF-style: chr6-90367955-G-A.
Identifiers: ClinVar variation 3050402 (VCV003050402.2), dbSNP rs145493272, ClinGen allele CA3922338.